The following is an entry in ClinVar:

ClinVar aggregate classification (germline): Benign/Likely benign. Review status: criteria provided, multiple submitters, no conflicts (2 of 4 stars). 5 submissions from 5 submitters: Benign (3); Likely benign (1). 1 of the submissions does not count toward it. Last evaluated 2026-08-01.

Conditions:
ERBB4-related disorder. Also called: ERBB4-related condition.

Allele frequency attached by ClinVar (database versions not stated): gnomAD exomes 0.00058 and 0.00160; ExAC 0.00212; ESP Exome Variant Server 0.00623; gnomAD 0.00653 and 0.00694; 1000 Genomes Project 0.00679; TOPMed 0.00732; 1000 Genomes Project 30x 0.00874.
gnomAD v4.1: 1,884 of 1,606,758 alleles (0.12%); highest among the groups gnomAD compares: African/African-American, 2.1%; 20 homozygotes.

Submissions (5):

CeGaT Center for Human Genetics Tuebingen
Classification: Benign. Last evaluated: 2026-08-01. Review status: criteria provided, single submitter. Criteria: CeGaT Center For Human Genetics Tuebingen Variant Classification Criteria Version 2. Collection method: clinical testing. Allele origin: germline. Affected: yes. Observed: 1 variant allele.
Comment: ERBB4: BP4, BS1, BS2

Labcorp Genetics (formerly Invitae), Labcorp
Classification: Benign. Last evaluated: 2026-01-15. Review status: criteria provided, single submitter. Criteria: Invitae Variant Classification Sherloc (09022015). Collection method: clinical testing. Allele origin: germline.

Mayo Clinic Laboratories, Mayo Clinic
Classification: Likely benign. Last evaluated: 2025-09-02. Review status: criteria provided, single submitter. Criteria: ACMG Guidelines, 2015. Collection method: clinical testing. Allele origin: germline. Observed: 2 variant alleles.
Comment: BS1, BP4, BP7

Breakthrough Genomics
Classification: Benign. Review status: criteria provided, single submitter. Criteria: ACMG Guidelines, 2015. Collection method: not provided. Allele origin: germline. Inheritance: Autosomal dominant inheritance. Affected: yes.

PreventionGenetics, part of Exact Sciences
Classification: Benign for ERBB4-related condition. Last evaluated: 2021-12-08. Review status: no assertion criteria provided. Collection method: clinical testing. Allele origin: germline. Not counted in ClinVar's aggregate classification.
Comment: This variant is classified as benign based on ACMG/AMP sequence variant interpretation guidelines (Richards et al. 2015 PMID: 25741868, with internal and published modifications).

NM_005235.3(ERBB4):c.1623-5C>T

Gene: ERBB4 (erb-b2 receptor tyrosine kinase 4; minus strand). Cytogenetic location: 2q34.
Variant type: single nucleotide variant.
Coding change: c.1623-5C>T on transcript NM_005235.3 (MANE Select); 5 bases into the intron before coding-DNA position 1623, C replaced by T.
Molecular consequence: intron variant.
Genome position (GRCh38, 1-based): chr2:211,673,262, G>A on the plus strand (C>T on the coding strand, the complement: ERBB4 is on the minus strand). VCF-style: chr2-211673262-G-A. GRCh37 (hg19) VCF-style: chr2-212537987-G-A.
Other names: p.?; c.1623-5C>T (NM_001042599.2, NM_001439006.1, NM_001439005.1).
Identifiers: ClinVar variation 788516 (VCV000788516.15), dbSNP rs112007938, ClinGen allele CA2088068.
Genomic context (GRCh38, chr2:211,673,262, plus strand): 5'-CACACTGGGGGTCACACTCCACACAGATGGAGCCATTCTCAAACTCCCGAAATTCACTGT[G>A]AAAACATCAGCCACATGAGGAGGTGTAAGCAAACAAGCGTCAACTTAACAAATGAAGTAA-3'